The following is an entry in ClinVar:

NM_000122.2(ERCC3):c.235-1G>A

Gene: ERCC3 (ERCC excision repair 3, TFIIH core complex helicase subunit; minus strand). Cytogenetic location: 2q14.3.
Variant type: single nucleotide variant.
Coding change: c.235-1G>A on transcript NM_000122.2 (MANE Select); the canonical splice acceptor site of the intron before coding-DNA position 235, G replaced by A.
Molecular consequence: splice acceptor variant.
Genome position (GRCh38, 1-based): chr2:127,292,847, C>T on the plus strand (G>A on the coding strand, the complement: ERCC3 is on the minus strand). VCF-style: chr2-127292847-C-T. GRCh37 (hg19) VCF-style: chr2-128050423-C-T.
Other names: c.43-1G>A (NM_001303416.2, NM_001303418.2).
Identifiers: ClinVar variation 1692165 (VCV001692165.1), dbSNP rs1420747225, ClinGen allele CA348391970.

ClinVar aggregate classification (germline): Likely pathogenic (1 of 4 stars; one submission).

Conditions:
Xeroderma pigmentosum (XP). Identifiers: Orphanet 910, MedGen C0043346, MONDO:0019600.

Allele frequency attached by ClinVar (database versions not stated): gnomAD exomes below 0.00001.
gnomAD v4.1: 2 of 1,587,140 alleles (0.00013%); highest among the groups gnomAD compares: African/African-American, 0.0013%; no homozygotes.

Submission:

Sema4
Classification: Likely pathogenic for Xeroderma pigmentosum. Last evaluated: 2021-08-13. Review status: criteria provided, single submitter. Criteria: Sema4 Curation Guidelines. Collection method: curation. Allele origin: germline.
Comment: The ERCC3 c.235-1G>A variant has not been reported in the literature to our knowledge. This variant is predicted to abolish the canonical splice site leading to an abnormal or absent protein. This variant is not reported in the Genome Aggregation Database (PMID: 32461654). The variant has not been reported in ClinVar. Based on the current evidence available, this variant is interpreted as likely pathogenic.